The following is an entry in ClinVar:

ClinVar aggregate classification (germline): Pathogenic. Review status: criteria provided, multiple submitters, no conflicts (2 of 4 stars). 2 submissions from 2 submitters: Pathogenic (2). Last evaluated 2025-10-30.

Conditions:
Hereditary cancer-predisposing syndrome. Also called: Neoplastic Syndromes, Hereditary; Tumor predisposition; Hereditary Cancer Syndrome; Hereditary neoplastic syndrome. Identifiers: Orphanet 140162, MedGen C0027672, MeSH D009386, MONDO:0015356.
Familial adenomatous polyposis 1 (FAP1). Also called: FAMILIAL ADENOMATOUS POLYPOSIS 1, ATTENUATED; POLYPOSIS, ADENOMATOUS INTESTINAL. Identifiers: MedGen C2713442, MONDO:0021056, OMIM 175100. Disease mechanism: loss of function.

Submissions (2):

Labcorp Genetics (formerly Invitae), Labcorp
Classification: Pathogenic for Familial adenomatous polyposis 1. Last evaluated: 2025-10-30. Review status: criteria provided, single submitter. Criteria: Invitae Variant Classification Sherloc (09022015). Collection method: clinical testing. Allele origin: germline.
Comment: This sequence change creates a premature translational stop signal (p.Ala689Lysfs*4) in the APC gene. While this is not anticipated to result in nonsense mediated decay, it is expected to disrupt the last 2155 amino acid(s) of the APC protein. This variant is not present in population databases (gnomAD no frequency). This premature translational stop signal has been observed in individual(s) with familial adenomatous polyposis and Turcot syndrome (PMID: 21779980, 24309598). A different truncation (p.Tyr2645Lysfs*14) that lies downstream of this variant has been determined to be pathogenic (PMID: 9824584, 1316610, 27081525, 8381579, 22135120, internal data). This suggests that deletion of this region of the APC protein is causative of disease. This variant is expected to disrupt the EB1 and HDLG binding sites, which mediate interactions with the cytoskeleton (PMID: 15311282, 17293347). While functional studies have not been performed to directly test the effect on APC protein function, this suggests that disruption of the C-terminal portion of the protein is functionally important. For these reasons, this variant has been classified as Pathogenic.

Ambry Genetics
Classification: Pathogenic for Hereditary cancer-predisposing syndrome. Last evaluated: 2016-11-03. Review status: criteria provided, single submitter. Criteria: Ambry Variant Classification Scheme 2023. Collection method: clinical testing. Allele origin: germline.
Comment: The c.2062_2063delTC pathogenic mutation, located in coding exon 15 of the APC gene, results from a deletion of two nucleotides at nucleotide positions 2062 to 2063, causing a translational frameshift with a predicted alternate stop codon. This mutation was detected in 1/66 unrelated probands with a clinical diagnosis of Familial Adenomatous Polyposis (FAP) (Jarry J et al. Fam. Cancer. 2011 Dec;10:659-65). This alteration is expected to result in loss of function by premature protein truncation or nonsense-mediated mRNA decay. As such, this alteration is interpreted as a disease-causing mutation.

Literature cited by the submitters: PubMed 21779980 (cited by Labcorp Genetics (formerly Invitae), Labcorp and Ambry Genetics); PubMed 24309598 (cited by Labcorp Genetics (formerly Invitae), Labcorp); PubMed 9824584 (cited by Labcorp Genetics (formerly Invitae), Labcorp); PubMed 1316610 (cited by Labcorp Genetics (formerly Invitae), Labcorp); PubMed 27081525 (cited by Labcorp Genetics (formerly Invitae), Labcorp); PubMed 8381579 (cited by Labcorp Genetics (formerly Invitae), Labcorp); PubMed 22135120 (cited by Labcorp Genetics (formerly Invitae), Labcorp); PubMed 15311282 (cited by Labcorp Genetics (formerly Invitae), Labcorp); PubMed 17293347 (cited by Labcorp Genetics (formerly Invitae), Labcorp).

NM_000038.6(APC):c.2062_2063del (p.Ala689fs)

Gene: APC (APC regulator of Wnt signaling pathway; plus strand). Cytogenetic location: 5q22.2.
Variant type: Microsatellite.
Coding change: c.2062_2063del on transcript NM_000038.6 (MANE Select); coding-DNA positions 2062 to 2063, 2 bases deleted (TC; older notation c.2062_2063delTC).
Protein change: p.Ala689fs; shifts the reading frame from alanine 689.
Molecular consequence: frameshift variant.
Genome position (GRCh38, 1-based): chr5:112,837,656-112,837,657, TC deleted; deleting any 2 consecutive bases within chr5:112,837,652-112,837,657 gives the same sequence; the c. name uses the placement nearest the transcript's 3' end. VCF-style (leftmost placement, unchanged base first): chr5-112837651-ATC-A. GRCh37 (hg19) VCF-style: chr5-112173348-ATC-A.
Other names: c.1881_1882TC[2], p.Ala630Lysfs (NM_001407453.1); c.1809_1810TC[2], p.Ala606Lysfs (NM_001407454.1, NM_001407455.1, NM_001407456.1 and 1 more transcripts); c.1755_1756TC[2], p.Ala588Lysfs (NM_001407458.1, NM_001407459.1, NM_001407460.1); c.1671_1672TC[2], p.Ala560Lysfs (NM_001407467.1, NM_001407469.1); c.1209_1210TC[2], p.Ala406Lysfs (NM_001407470.1); c.906_907TC[2], p.Ala305Lysfs (NM_001407471.1, NM_001407472.1); c.2062_2063del, p.Ala689fs (NM_001127510.3, NM_001354895.2); c.2008_2009del, p.Ala671fs (NM_001127511.3); and 16 more; short protein forms A529fs, A630fs, A671fs, A563fs, A664fs, A406fs, A588fs, A598fs.
Identifiers: ClinVar variation 1785244 (VCV001785244.3), dbSNP rs2533393954, ClinGen allele CA645562829.